The following is an entry in ClinVar:

ClinVar aggregate classification (germline): Uncertain significance (1 of 4 stars; one submission).

Conditions:
STXBP5L-related disorder. Also called: STXBP5L-related condition.

Submission:

PreventionGenetics, part of Exact Sciences
Classification: Uncertain significance for STXBP5L-related condition. Last evaluated: 2023-04-10. Review status: criteria provided, single submitter. Criteria: ACMG Guidelines, 2015. Collection method: clinical testing. Allele origin: germline.
Comment: The STXBP5L c.62G>A variant is predicted to result in the amino acid substitution p.Gly21Asp. This variant was reported as a de novo finding in an individual with autism spectrum disorder; however, no additional studies have been done to confirm its pathogenicity (Jiang et al. 2013. PubMed ID: 23849776; Yuen et al. 2016. PubMed ID: 27525107). This variant has not been reported in a large population database, indicating this variant is rare. At this time, the clinical significance of this variant is uncertain due to the absence of conclusive functional and genetic evidence.

NM_001308330.2(STXBP5L):c.62G>A (p.Gly21Asp)

Gene: STXBP5L (syntaxin binding protein 5L; plus strand). Cytogenetic location: 3q13.33.
Variant type: single nucleotide variant.
Coding change: c.62G>A on transcript NM_001308330.2 (MANE Select); coding-DNA position 62, G replaced by A.
Protein change: p.Gly21Asp; replaces glycine 21 with aspartic acid.
Molecular consequence: missense variant. On other transcripts: non-coding transcript variant (2).
Genome position (GRCh38, 1-based): chr3:120,909,640, G>A. VCF-style: chr3-120909640-G-A. GRCh37 (hg19) VCF-style: chr3-120628487-G-A.
Other names: c.62G>A, p.Gly21Asp (NM_001348343.2, NM_001348344.2, NM_001348345.2 and 1 more transcripts); short protein forms G21D.
Identifiers: ClinVar variation 2633657 (VCV002633657.1), dbSNP rs1348245613, ClinGen allele CA354350672.
Genomic context (GRCh38, chr3:120,909,640, plus strand): 5'-TGAAGAAGTTTAATTTCCGAAAAGTTTTGGATGGCTTAACTGCCTCCTCCCCTGGCAGTG[G>A]TAGCAGCAGTGGCAGTAACAGTGGTGGTGGGGCTGGAAGTGGTTCCGTACATCCGGCGGG-3'
Protein context (NP_001295259.1, residues 11-31): DGLTASSPGS[Gly21Asp]SSSGSNSGGG